The following is an entry in ClinVar:

ClinVar aggregate classification (germline): Pathogenic. Review status: criteria provided, multiple submitters, no conflicts (2 of 4 stars). 7 submissions from 7 submitters: Pathogenic (4). 3 of the submissions do not count toward it. Last evaluated 2024-07-29.

Conditions:
Polycystic kidney disease 2 (PKD2). Also called: Polycystic Kidney Disease 2, Autosomal Dominant; POLYCYSTIC KIDNEY DISEASE 2 WITH OR WITHOUT POLYCYSTIC LIVER DISEASE; POLYCYSTIC KIDNEY DISEASE, ADULT, TYPE II. Identifiers: MedGen C2751306, MONDO:0013131, OMIM 613095.
PKD2-related disorder. Also called: PKD2-related condition.

gnomAD v4.1: 3 of 1,613,278 alleles (0.00019%); highest among the groups gnomAD compares: Non-Finnish European, 0.00025%; no homozygotes.

Submissions (7):

Women's Health and Genetics/Laboratory Corporation of America, LabCorp
Classification: Pathogenic for Polycystic kidney disease 2. Last evaluated: 2024-07-29. Review status: criteria provided, single submitter. Criteria: LabCorp Variant Classification Summary - May 2015. Collection method: clinical testing. Allele origin: germline.
Comment: Variant summary: PKD2 c.2286C>A (p.Tyr762X) results in a premature termination codon, predicted to cause absence of the protein due to nonsense mediated decay, which is a commonly known mechanism for disease. The variant was absent in 251250 control chromosomes (gnomAD). c.2286C>A has been reported in the literature in individuals affected with Polycystic Kidney Disease 2 (e.g. Benson_2021). The following publication has been ascertained in the context of this evaluation (PMID: 33454723). ClinVar contains an entry for this variant (Variation ID: 562296). Based on the evidence outlined above, the variant was classified as pathogenic.

Blueprint Genetics
Classification: Pathogenic for PKD2-related disorders. Last evaluated: 2023-03-14. Review status: criteria provided, single submitter. Criteria: ACMG Guidelines, 2015. Collection method: clinical testing. Allele origin: germline. Affected: yes. Observed: 3 variant alleles.

Fulgent Genetics
Classification: Pathogenic for Polycystic kidney disease 2. Last evaluated: 2022-05-04. Review status: criteria provided, single submitter. Criteria: ACMG Guidelines, 2015. Collection method: clinical testing. Allele origin: unknown.

Cavalleri Lab, Royal College of Surgeons in Ireland
Classification: Pathogenic for Polycystic kidney disease 2. Last evaluated: 2020-02-05. Review status: criteria provided, single submitter. Criteria: ACMG Guidelines, 2015. Collection method: research. Allele origin: unknown. Inheritance: Autosomal dominant inheritance. Affected: yes.
Comment: PVS1, PM2, PP4, PP5

Gharavi Laboratory, Columbia University
Classification: Pathogenic. Last evaluated: 2018-09-16. Review status: no assertion criteria provided. Criteria: ACMG Guidelines, 2015. Collection method: research. Allele origin: germline. Affected: yes. Not counted in ClinVar's aggregate classification.

Genome Diagnostics Laboratory, University Medical Center Utrecht
Classification: Pathogenic. Review status: no assertion criteria provided. Collection method: clinical testing. Allele origin: germline. Affected: yes. Study: VKGL Data-share Consensus. Not counted in ClinVar's aggregate classification.

Laboratory of Diagnostic Genome Analysis, Leiden University Medical Center (LUMC)
Classification: Pathogenic. Review status: no assertion criteria provided. Collection method: clinical testing. Allele origin: germline. Affected: yes. Study: VKGL Data-share Consensus. Not counted in ClinVar's aggregate classification.

Literature cited by the submitters: PubMed 33454723 (cited by Women's Health and Genetics/Laboratory Corporation of America, LabCorp).

NM_000297.4(PKD2):c.2286C>A (p.Tyr762Ter)

Gene: PKD2 (polycystin 2, transient receptor potential cation channel; plus strand). Cytogenetic location: 4q22.1.
Variant type: single nucleotide variant.
Coding change: c.2286C>A on transcript NM_000297.4 (MANE Select); coding-DNA position 2286, C replaced by A.
Protein change: p.Tyr762Ter; replaces tyrosine 762 with a stop codon.
Molecular consequence: nonsense. On other transcripts: non-coding transcript variant (1).
Genome position (GRCh38, 1-based): chr4:88,065,807, C>A. VCF-style: chr4-88065807-C-A. GRCh37 (hg19) VCF-style: chr4-88986959-C-A.
Other names: short protein forms Y762*.
Identifiers: ClinVar variation 562296 (VCV000562296.6), dbSNP rs555242193, ClinGen allele CA357625031.